The following is an entry in ClinVar:

ClinVar aggregate classification (germline): Uncertain significance. Review status: criteria provided, multiple submitters, no conflicts (2 of 4 stars). 3 submissions from 3 submitters: Uncertain significance (2). 1 of the submissions does not count toward it. Last evaluated 2025-03-26.

Conditions:
Inborn genetic diseases. Identifiers: MedGen C0950123, MeSH D030342.
Holocarboxylase synthetase deficiency. Also called: MULTIPLE CARBOXYLASE DEFICIENCY, EARLY ONSET. Identifiers: Orphanet 79242, MedGen C0268581, MONDO:0009666, OMIM 253270.

Allele frequency attached by ClinVar (database versions not stated): ExAC 0.00002; gnomAD exomes 0.00002; gnomAD 0.00006 and 0.00007; TOPMed 0.00006; ESP Exome Variant Server 0.00023.
gnomAD v4.1: 39 of 1,614,036 alleles (0.0024%); highest among the groups gnomAD compares: African/African-American, 0.013%; no homozygotes.

Submissions (3):

Ambry Genetics
Classification: Uncertain significance for Inborn genetic diseases. Last evaluated: 2025-03-26. Review status: criteria provided, single submitter. Criteria: Ambry Variant Classification Scheme 2023. Collection method: clinical testing. Allele origin: germline.

Labcorp Genetics (formerly Invitae), Labcorp
Classification: Uncertain significance for Holocarboxylase synthetase deficiency. Last evaluated: 2021-09-01. Review status: criteria provided, single submitter. Criteria: Invitae Variant Classification Sherloc (09022015). Collection method: clinical testing. Allele origin: germline.
Comment: This sequence change replaces arginine with tryptophan at codon 183 of the HLCS protein (p.Arg183Trp). The arginine residue is moderately conserved and there is a moderate physicochemical difference between arginine and tryptophan. This variant is present in population databases (rs150431185, ExAC 0.02%). This variant has not been reported in the literature in individuals affected with HLCS-related conditions. Algorithms developed to predict the effect of missense changes on protein structure and function are either unavailable or do not agree on the potential impact of this missense change (SIFT: "Deleterious"; PolyPhen-2: "Possibly Damaging"; Align-GVGD: "Class C0"). In summary, the available evidence is currently insufficient to determine the role of this variant in disease. Therefore, it has been classified as a Variant of Uncertain Significance.

Natera, Inc.
Classification: Uncertain significance for Holocarboxylase synthetase deficiency. Last evaluated: 2021-01-28. Review status: no assertion criteria provided. Collection method: clinical testing. Allele origin: germline. Not counted in ClinVar's aggregate classification.

NM_001352514.2(HLCS):c.988C>T (p.Arg330Trp)

Gene: HLCS (holocarboxylase synthetase; minus strand). Cytogenetic location: 21q22.13.
Variant type: single nucleotide variant.
Coding change: c.988C>T on transcript NM_001352514.2 (MANE Select); coding-DNA position 988, C replaced by T.
Protein change: p.Arg330Trp; replaces arginine 330 with tryptophan.
Molecular consequence: missense variant. On other transcripts: non-coding transcript variant (2).
Genome position (GRCh38, 1-based): chr21:36,936,898, G>A on the plus strand (C>T on the coding strand, the complement: HLCS is on the minus strand). VCF-style: chr21-36936898-G-A. GRCh37 (hg19) VCF-style: chr21-38309198-G-A.
Other names: c.547C>T, p.Arg183Trp (NM_000411.8, NM_001242784.3, NM_001242785.2 and 4 more transcripts); short protein forms R183W, R330W.
Identifiers: ClinVar variation 972289 (VCV000972289.8), dbSNP rs150431185, ClinGen allele CA10020659.